The following is an entry in ClinVar:

ClinVar aggregate classification (germline): Likely benign. Review status: criteria provided, multiple submitters, no conflicts (2 of 4 stars). 2 submissions from 2 submitters: Likely benign (2). Last evaluated 2023-04-14.

Conditions:
Mucopolysaccharidosis type 1. Also called: IDUA deficiency; MPS I; Mucopolysaccharidosis Type I. Identifiers: Orphanet 579, MedGen C0023786, MONDO:0001586.

Allele frequency attached by ClinVar (database versions not stated): gnomAD exomes below 0.00001.
gnomAD v4.1: 1 of 1,449,652 alleles (0.000069%); highest among the groups gnomAD compares: Non-Finnish European, 0.00009%; no homozygotes.

Submissions (2):

Labcorp Genetics (formerly Invitae), Labcorp
Classification: Likely benign for Mucopolysaccharidosis type 1. Last evaluated: 2023-04-14. Review status: criteria provided, single submitter. Criteria: Invitae Variant Classification Sherloc (09022015). Collection method: clinical testing. Allele origin: germline.

CeGaT Center for Human Genetics Tuebingen
Classification: Likely benign. Last evaluated: 2023-03-01. Review status: criteria provided, single submitter. Criteria: CeGaT Center For Human Genetics Tuebingen Variant Classification Criteria Version 2. Collection method: clinical testing. Allele origin: germline. Affected: yes. Observed: 1 variant allele.
Comment: IDUA: PM2:Supporting, BP4, BP7

NM_000203.5(IDUA):c.1509C>T (p.Arg503=)

Gene: IDUA (alpha-L-iduronidase; plus strand). Cytogenetic location: 4p16.3.
Variant type: single nucleotide variant.
Coding change: c.1509C>T on transcript NM_000203.5 (MANE Select); coding-DNA position 1509, C replaced by T.
Protein change: p.Arg503=; no amino-acid change (arginine 503 retained).
Molecular consequence: synonymous variant. On other transcripts: non-coding transcript variant (1).
Genome position (GRCh38, 1-based): chr4:1,003,142, C>T. VCF-style: chr4-1003142-C-T. GRCh37 (hg19) VCF-style: chr4-996930-C-T.
Other names: c.1113C>T, p.Arg371= (NM_001363576.1).
Identifiers: ClinVar variation 2654541 (VCV002654541.27), dbSNP rs2534095551, ClinGen allele CA438058015.